The following is an entry in ClinVar:

NM_001035.3(RYR2):c.12315C>T (p.Leu4105=)

Gene: RYR2 (ryanodine receptor 2; plus strand). Cytogenetic location: 1q43.
Variant type: single nucleotide variant.
Coding change: c.12315C>T on transcript NM_001035.3 (MANE Select); coding-DNA position 12315, C replaced by T.
Protein change: p.Leu4105=; no amino-acid change (leucine 4105 retained).
Molecular consequence: synonymous variant.
Genome position (GRCh38, 1-based): chr1:237,784,027, C>T. VCF-style: chr1-237784027-C-T. GRCh37 (hg19) VCF-style: chr1-237947327-C-T.
Other names: c.12315C>T, p.Leu4105= (LRG_402t1).
Identifiers: ClinVar variation 296759 (VCV000296759.21), dbSNP rs184625125, ClinGen allele CA066382.

ClinVar aggregate classification (germline): Conflicting classifications of pathogenicity. Review status: criteria provided, conflicting classifications (1 of 4 stars). 8 submissions from 7 submitters: Uncertain significance (1); Likely benign (7). Last evaluated 2025-09-16.

Conditions:
Catecholaminergic polymorphic ventricular tachycardia (CVPT). Also called: Catecholamine-induced polymorphic ventricular tachycardia. Identifiers: Orphanet 3286, MedGen C5574922, MONDO:0017990.
Cardiomyopathy (CMYO). Also called: Cardiomyopathies. Identifiers: Orphanet 167848, MedGen C0878544, MONDO:0004994, HP:0001638. Inheritance: Various modes of inheritance.
Catecholaminergic polymorphic ventricular tachycardia 1. Also called: VENTRICULAR TACHYCARDIA, CATECHOLAMINERGIC POLYMORPHIC, 1, WITH OR WITHOUT ATRIAL DYSFUNCTION AND/OR DILATED CARDIOMYOPATHY; RYR2-Related Catecholaminergic Polymorphic Ventricular Tachycardia; VENTRICULAR TACHYCARDIA, STRESS-INDUCED POLYMORPHIC 1. Identifiers: Orphanet 3286, MedGen C1631597, MONDO:0011484, OMIM 604772.
Cardiovascular phenotype. Identifiers: MedGen CN230736.
Arrhythmogenic right ventricular dysplasia 2. Identifiers: MedGen C1832931.

Allele frequency attached by ClinVar (database versions not stated): TOPMed below 0.00001; gnomAD 0.00001; gnomAD exomes 0.00001; ExAC 0.00002; 1000 Genomes Project 0.00020; 1000 Genomes Project 30x 0.00031.
gnomAD v4.1: 14 of 1,614,034 alleles (0.00087%); highest among the groups gnomAD compares: Admixed American, 0.015%; no homozygotes.

Submissions (8):

Labcorp Genetics (formerly Invitae), Labcorp
Classification: Likely benign for Catecholaminergic polymorphic ventricular tachycardia 1. Last evaluated: 2025-09-16. Review status: criteria provided, single submitter. Criteria: Invitae Variant Classification Sherloc (09022015). Collection method: clinical testing. Allele origin: germline.

Women's Health and Genetics/Laboratory Corporation of America, LabCorp
Classification: Likely benign. Last evaluated: 2023-08-19. Review status: criteria provided, single submitter. Criteria: LabCorp Variant Classification Summary - May 2015. Collection method: clinical testing. Allele origin: germline.

All of Us Research Program, National Institutes of Health
Classification: Likely benign for Catecholaminergic polymorphic ventricular tachycardia. Last evaluated: 2023-05-16. Review status: criteria provided, single submitter. Criteria: ACMG Guidelines, 2015. Collection method: clinical testing. Allele origin: germline. Inheritance: Autosomal dominant inheritance. Observed: 1 variant allele, 1 heterozygote.
Comment: This study involves interpretation of variants in research participants for the purpose of population health screening. Participant phenotype was not available at the time of variant classification. Additional details can be found in publication PMID: 35346344, PMCID: PMC8962531

Blueprint Genetics
Classification: Likely benign. Last evaluated: 2023-04-18. Review status: criteria provided, single submitter. Criteria: ACMG Guidelines, 2015. Collection method: clinical testing. Allele origin: germline.

Ambry Genetics
Classification: Likely benign for Cardiovascular phenotype. Last evaluated: 2021-03-26. Review status: criteria provided, single submitter. Criteria: Ambry Variant Classification Scheme 2023. Collection method: clinical testing. Allele origin: germline.

Color Diagnostics, LLC DBA Color Health
Classification: Likely benign for Cardiomyopathy. Last evaluated: 2020-01-29. Review status: criteria provided, single submitter. Criteria: ACMG Guidelines, 2015. Collection method: clinical testing. Allele origin: germline.

Illumina Laboratory Services, Illumina
Classification: Uncertain significance for Catecholaminergic polymorphic ventricular tachycardia 1. Last evaluated: 2018-01-13. Review status: criteria provided, single submitter. Criteria: ICSL Variant Classification Criteria 13 December 2019. Collection method: clinical testing. Allele origin: germline.

Illumina Laboratory Services, Illumina
Classification: Likely benign for Catecholaminergic polymorphic ventricular tachycardia 1. Last evaluated: 2018-01-13. Review status: criteria provided, single submitter. Criteria: ICSL Variant Classification Criteria 13 December 2019. Collection method: clinical testing. Allele origin: germline.
Comment: This variant was observed in the ICSL laboratory as part of a predisposition screen in an ostensibly healthy population. It had not been previously curated by ICSL or reported in the Human Gene Mutation Database (HGMD: prior to June 1st, 2018), and was therefore a candidate for classification through an automated scoring system. Utilizing variant allele frequency, disease prevalence and penetrance estimates, and inheritance mode, an automated score was calculated to assess if this variant is too frequent to cause the disease. Based on the score and internal cut-off values, a variant classified as likely benign is not then subjected to further curation. The score for this variant resulted in a classification of likely benign for this disease.